The following is an entry in ClinVar:

ClinVar aggregate classification (germline): Likely benign (1 of 4 stars; one submission).

gnomAD v4.1: 3 of 1,613,216 alleles (0.00019%); highest among the groups gnomAD compares: East Asian, 0.0045%; no homozygotes.

Submission:

CeGaT Center for Human Genetics Tuebingen
Classification: Likely benign. Last evaluated: 2025-03-01. Review status: criteria provided, single submitter. Criteria: CeGaT Center For Human Genetics Tuebingen Variant Classification Criteria Version 2. Collection method: clinical testing. Allele origin: germline. Affected: yes. Observed: 3 variant alleles.
Comment: NCAPG2: BP4, BP7

NM_017760.7(NCAPG2):c.3006T>G (p.Pro1002=)

Gene: NCAPG2 (non-SMC condensin II complex subunit G2; minus strand). Cytogenetic location: 7q36.3.
Variant type: single nucleotide variant.
Coding change: c.3006T>G on transcript NM_017760.7 (MANE Select); coding-DNA position 3006, T replaced by G.
Protein change: p.Pro1002=; no amino-acid change (proline 1002 retained).
Molecular consequence: synonymous variant. On other transcripts: non-coding transcript variant (1).
Genome position (GRCh38, 1-based): chr7:158,650,901, A>C on the plus strand (T>G on the coding strand, the complement: NCAPG2 is on the minus strand). VCF-style: chr7-158650901-A-C. GRCh37 (hg19) VCF-style: chr7-158443593-A-C.
Other names: c.3006T>G, p.Pro1002= (NM_001281932.2, NM_001281933.2).
Identifiers: ClinVar variation 2658282 (VCV002658282.24), dbSNP rs1428473591, ClinGen allele CA458905994.